The following is an entry in ClinVar:

NM_000256.3(MYBPC3):c.1687G>T (p.Val563Leu)

Gene: MYBPC3 (myosin binding protein C3; minus strand). Cytogenetic location: 11p11.2.
Variant type: single nucleotide variant.
Coding change: c.1687G>T on transcript NM_000256.3 (MANE Select); coding-DNA position 1687, G replaced by T.
Protein change: p.Val563Leu; replaces valine 563 with leucine.
Molecular consequence: missense variant.
Genome position (GRCh38, 1-based): chr11:47,342,094, C>A on the plus strand (G>T on the coding strand, the complement: MYBPC3 is on the minus strand). VCF-style: chr11-47342094-C-A. GRCh37 (hg19) VCF-style: chr11-47363645-C-A.
Other names: short protein forms V563L.
Identifiers: ClinVar variation 1053599 (VCV001053599.9), dbSNP rs2142860254, ClinGen allele CA380324374.
Genomic context (GRCh38, chr11:47,342,094, plus strand): 5'-CCTTCCCATTCTTCAGCCACACACCCCGAACATTCTCATCTGAGACCTCACATTTGAACA[C>A]CGCCTGGTCCTTTGCGCCCACCATCAGGTCTGCGATGCTCTGGTACACCTCCAGCTTCTT-3'
Protein context (NP_000247.2, residues 553-573): DLMVGAKDQA[Val563Leu]FKCEVSDENV

ClinVar aggregate classification (germline): Uncertain significance (1 of 4 stars; one submission).

Conditions:
Hypertrophic cardiomyopathy. Also called: HYPERTROPHIC MYOCARDIOPATHY. Identifiers: Orphanet 217569, MedGen C0007194, MeSH D002312, MONDO:0005045, HP:0001639.

Submission:

Labcorp Genetics (formerly Invitae), Labcorp
Classification: Uncertain significance for Hypertrophic cardiomyopathy. Last evaluated: 2022-02-24. Review status: criteria provided, single submitter. Criteria: Invitae Variant Classification Sherloc (09022015). Collection method: clinical testing. Allele origin: germline.
Comment: This variant is not present in population databases (gnomAD no frequency). This sequence change replaces valine, which is neutral and non-polar, with leucine, which is neutral and non-polar, at codon 563 of the MYBPC3 protein (p.Val563Leu). In summary, the available evidence is currently insufficient to determine the role of this variant in disease. Therefore, it has been classified as a Variant of Uncertain Significance. Algorithms developed to predict the effect of missense changes on protein structure and function are either unavailable or do not agree on the potential impact of this missense change (SIFT: "Deleterious"; PolyPhen-2: "Benign"; Align-GVGD: "Class C25"). ClinVar contains an entry for this variant (Variation ID: 1053599). This variant has not been reported in the literature in individuals affected with MYBPC3-related conditions.